The following is an entry in ClinVar:

NM_001165963.4(SCN1A):c.755T>C (p.Ile252Thr)

Gene: SCN1A (sodium voltage-gated channel alpha subunit 1; minus strand). Cytogenetic location: 2q24.3.
Variant type: single nucleotide variant.
Coding change: c.755T>C on transcript NM_001165963.4 (MANE Select); coding-DNA position 755, T replaced by C.
Protein change: p.Ile252Thr; replaces isoleucine 252 with threonine.
Molecular consequence: missense variant. On other transcripts: 5 prime UTR variant (1), non-coding transcript variant (1).
Genome position (GRCh38, 1-based): chr2:166,051,928, A>G on the plus strand (T>C on the coding strand, the complement: SCN1A is on the minus strand). VCF-style: chr2-166051928-A-G. GRCh37 (hg19) VCF-style: chr2-166908438-A-G.
Other names: c.755T>C, p.Ile252Thr (NM_001165964.3, NM_001202435.3, NM_001353948.2 and 10 more transcripts); c.-1671T>C (NM_001353961.2); short protein forms I252T.
Identifiers: ClinVar variation 408928 (VCV000408928.11), dbSNP rs121918780, ClinGen allele CA16610165.

ClinVar aggregate classification (germline): Pathogenic (1 of 4 stars; one submission).

Conditions:
Early-infantile DEE. Also called: Early infantile epileptic encephalopathy; Early infantile epileptic encephalopathy with suppression bursts; Ohtahara syndrome. Identifiers: Orphanet 1934, MedGen C0393706, MONDO:0800491.

Allele frequency attached by ClinVar (database versions not stated): gnomAD exomes below 0.00001.
gnomAD v4.1: 1 of 1,612,480 alleles (0.000062%); highest among the groups gnomAD compares: Non-Finnish European, 0.000085%; no homozygotes.

Submission:

Labcorp Genetics (formerly Invitae), Labcorp
Classification: Pathogenic for Early-infantile DEE. Last evaluated: 2024-04-05. Review status: criteria provided, single submitter. Criteria: Invitae Variant Classification Sherloc (09022015). Collection method: clinical testing. Allele origin: germline.
Comment: This sequence change replaces isoleucine, which is neutral and non-polar, with threonine, which is neutral and polar, at codon 252 of the SCN1A protein (p.Ile252Thr). This variant is not present in population databases (gnomAD no frequency). This missense change has been observed in individuals with clinical features of SCN1A-related conditions (Invitae). ClinVar contains an entry for this variant (Variation ID: 408928). Advanced modeling of protein sequence and biophysical properties (such as structural, functional, and spatial information, amino acid conservation, physicochemical variation, residue mobility, and thermodynamic stability) performed at Invitae indicates that this missense variant is expected to disrupt SCN1A protein function with a positive predictive value of 95%. This variant disrupts the p.Ile252 amino acid residue in SCN1A. Other variant(s) that disrupt this residue have been determined to be pathogenic (PMID: 15087100). This suggests that this residue is clinically significant, and that variants that disrupt this residue are likely to be disease-causing. For these reasons, this variant has been classified as Pathogenic.

Literature cited by the submitters: PubMed 15087100.